The following is an entry in ClinVar:

NM_001353345.2(SETD1B):c.5882G>A (p.Cys1961Tyr)

Gene: SETD1B (SET domain containing 1B, histone lysine methyltransferase; plus strand). Cytogenetic location: 12q24.31.
Variant type: single nucleotide variant.
Coding change: c.5882G>A on transcript NM_001353345.2 (MANE Select); coding-DNA position 5882, G replaced by A.
Protein change: p.Cys1961Tyr; replaces cysteine 1961 with tyrosine.
Molecular consequence: missense variant.
Genome position (GRCh38, 1-based): chr12:121,830,220, G>A. VCF-style: chr12-121830220-G-A. GRCh37 (hg19) VCF-style: chr12-122268126-G-A.
Other names: short protein forms C1961Y.
Identifiers: ClinVar variation 3371072 (VCV003371072.1).

ClinVar aggregate classification (germline): Uncertain significance (1 of 4 stars; one submission).

Submission:

GeneDx
Classification: Uncertain significance. Last evaluated: 2024-03-21. Review status: criteria provided, single submitter. Criteria: GeneDx Variant Classification Process June 2021. Collection method: clinical testing. Allele origin: germline. Affected: yes.
Comment: Not observed at significant frequency in large population cohorts (gnomAD); In silico analysis supports that this missense variant has a deleterious effect on protein structure/function; Has not been previously published as pathogenic or benign to our knowledge